The following is an entry in ClinVar:

NM_000308.4(CTSA):c.154G>A (p.Gly52Ser)

Gene: CTSA (cathepsin A; plus strand). Cytogenetic location: 20q13.12.
Variant type: single nucleotide variant.
Coding change: c.154G>A on transcript NM_000308.4 (MANE Select); coding-DNA position 154, G replaced by A.
Protein change: p.Gly52Ser; replaces glycine 52 with serine.
Molecular consequence: missense variant. On other transcripts: non-coding transcript variant (1).
Genome position (GRCh38, 1-based): chr20:45,891,722, G>A. VCF-style: chr20-45891722-G-A. GRCh37 (hg19) VCF-style: chr20-44520361-G-A.
Other names: c.154G>A, p.Gly52Ser (NM_001127695.3, NM_001167594.3); c.208G>A (NM_000308.2); short protein forms G52S.
Identifiers: ClinVar variation 3359955 (VCV003359955.2).
Genomic context (GRCh38, chr20:45,891,722, plus strand): 5'-CAGGACGAGATCCAGCGCCTCCCCGGGCTGGCCAAGCAGCCGTCTTTCCGCCAGTACTCC[G>A]GCTACCTCAAAGGCTCCGGCTCCAAGCACCTCCACTACTGGTCTGCCGCCCTGCCTTCTG-3'
Protein context (NP_000299.3, residues 42-62): AKQPSFRQYS[Gly52Ser]YLKGSGSKHL

ClinVar aggregate classification (germline): Uncertain significance. Review status: criteria provided, multiple submitters, no conflicts (2 of 4 stars). 2 submissions from 2 submitters: Uncertain significance (2). Last evaluated 2025-04-30.

Conditions:
Inborn genetic diseases. Identifiers: MedGen C0950123, MeSH D030342.

Submissions (2):

Ambry Genetics
Classification: Uncertain significance for Inborn genetic diseases. Last evaluated: 2025-04-30. Review status: criteria provided, single submitter. Criteria: Ambry Variant Classification Scheme 2023. Collection method: clinical testing. Allele origin: germline.

GeneDx
Classification: Uncertain significance. Last evaluated: 2023-06-13. Review status: criteria provided, single submitter. Criteria: GeneDx Variant Classification Process June 2021. Collection method: clinical testing. Allele origin: germline. Affected: yes.
Comment: Not observed at significant frequency in large population cohorts (gnomAD); In silico analysis supports that this missense variant has a deleterious effect on protein structure/function; Has not been previously published as pathogenic or benign to our knowledge